The following is an entry in ClinVar:

NM_006348.5(COG5):c.856_857delinsTG (p.Met286Trp)

Gene: COG5 (component of oligomeric golgi complex 5; minus strand). Cytogenetic location: 7q22.3.
Variant type: Indel.
Coding change: c.856_857delinsTG on transcript NM_006348.5 (MANE Select); coding-DNA positions 856 to 857, AT replaced by TG.
Protein change: p.Met286Trp; replaces methionine 286 with tryptophan.
Molecular consequence: missense variant. On other transcripts: intron variant (2).
Genome position (GRCh38, 1-based): chr7:107,362,399-107,362,400, AT replaced by CA on the plus strand (AT replaced by TG on the coding strand, the reverse complement: COG5 is on the minus strand). VCF-style: chr7-107362399-AT-CA. GRCh37 (hg19) VCF-style: chr7-107002844-AT-CA.
Other names: c.856_857delinsTG, p.Met286Trp (NM_001161520.2, NM_001379511.1, NM_001379512.1 and 3 more transcripts); c.235-290_235-289delinsTG (NM_001379516.1); c.539-64054_539-64053delinsTG (NM_001379515.1); short protein forms M286W.
Identifiers: ClinVar variation 1420406 (VCV001420406.5), dbSNP rs2129046287, ClinGen allele CA2573141594.
Genomic context (GRCh38, chr7:107,362,399, plus strand): 5'-AGTTTCTCCATATTGGTCCAGAATGAGGCACGCAAAGCTGCAGTATTTCCTGGGGTTGGC[AT>CA]GGTAGATCGTCCAGGTCCCCCTGGTTATGAGTGAGAAAGAACAATGAAAAATAAAGTTTT-3'
Protein context (NP_006339.4, residues 276-296): AVRGGPGRST[Met286Trp]PTPGNTAALR

ClinVar aggregate classification (germline): Uncertain significance (1 of 4 stars; one submission).

Conditions:
COG5-congenital disorder of glycosylation. Also called: COG5-CDG; CONGENITAL DISORDER OF GLYCOSYLATION, TYPE IIi; CDG IIi. Identifiers: Orphanet 263487, MedGen C3150876, MONDO:0013325, OMIM 613612.

Submission:

Labcorp Genetics (formerly Invitae), Labcorp
Classification: Uncertain significance for COG5-congenital disorder of glycosylation. Last evaluated: 2022-08-23. Review status: criteria provided, single submitter. Criteria: Invitae Variant Classification Sherloc (09022015). Collection method: clinical testing. Allele origin: germline.
Comment: This sequence change replaces methionine with tryptophan at codon 317 of the COG5 protein (p.Met317Trp). The methionine residue is moderately conserved and there is a small physicochemical difference between methionine and tryptophan. This variant is present in population databases (no rsID available, gnomAD 0.2%). This variant has not been reported in the literature in individuals affected with COG5-related conditions. ClinVar contains an entry for this variant (Variation ID: 1420406). Algorithms developed to predict the effect of missense changes on protein structure and function are either unavailable or do not agree on the potential impact of this missense change (SIFT: "Not Available"; PolyPhen-2: "Benign"; Align-GVGD: "Not Available"). In summary, the available evidence is currently insufficient to determine the role of this variant in disease. Therefore, it has been classified as a Variant of Uncertain Significance.